The following is an entry in ClinVar:

ClinVar aggregate classification (germline): Likely benign (1 of 4 stars; one submission).

Conditions:
AFF4-related disorder. Also called: AFF4-related condition.

Submission:

PreventionGenetics, part of Exact Sciences
Classification: Likely benign for AFF4-related condition. Last evaluated: 2024-11-22. Review status: criteria provided, single submitter. Criteria: ACMG Guidelines, 2015. Collection method: clinical testing. Allele origin: germline.
Comment: This variant is classified as likely benign based on ACMG/AMP sequence variant interpretation guidelines (Richards et al. 2015 PMID: 25741868, with internal and published modifications).

NM_014423.4(AFF4):c.2346C>A (p.Pro782=)

Gene: AFF4 (ALF transcription elongation factor 4; minus strand). Cytogenetic location: 5q31.1.
Variant type: single nucleotide variant.
Coding change: c.2346C>A on transcript NM_014423.4 (MANE Select); coding-DNA position 2346, C replaced by A.
Protein change: p.Pro782=; no amino-acid change (proline 782 retained).
Molecular consequence: synonymous variant.
Genome position (GRCh38, 1-based): chr5:132,893,080, G>T on the plus strand (C>A on the coding strand, the complement: AFF4 is on the minus strand). VCF-style: chr5-132893080-G-T. GRCh37 (hg19) VCF-style: chr5-132228772-G-T.
Identifiers: ClinVar variation 4997496 (VCV004997496.1).
Genomic context (GRCh38, chr5:132,893,080, plus strand): 5'-GGGAACGTACTCTCTGTTGCTGGATGGCTTATGGCCTGCTGAATTCTTGTCCTCCGTTTT[G>T]GGTTTCTTGCTCTCACTGGCTCGGTTATCATCTTCATTCTAGATGAAAAATAGAAACCGT-3'
Protein context (NP_055238.1, residues 772-792): DDNRASESKK[Pro782=]KTEDKNSAGH